The following is an entry in ClinVar:

NM_018418.5(SPATA7):c.19G>C (p.Val7Leu)

Genes: SPATA7 (spermatogenesis associated 7; plus strand), LOC130056226 (ATAC-STARR-seq lymphoblastoid active region 8840; plus strand). Cytogenetic location: 14q31.3.
Variant type: single nucleotide variant.
Coding change: c.19G>C on transcript NM_018418.5 (MANE Select); coding-DNA position 19, G replaced by C.
Protein change: p.Val7Leu; replaces valine 7 with leucine.
Molecular consequence: missense variant.
Genome position (GRCh38, 1-based): chr14:88,385,837, G>C. VCF-style: chr14-88385837-G-C. GRCh37 (hg19) VCF-style: chr14-88852181-G-C.
Other names: c.19G>C, p.Val7Leu (NM_001040428.4); short protein forms V7L.
Identifiers: ClinVar variation 1494343 (VCV001494343.8), dbSNP rs371609982, ClinGen allele CA264502587.

ClinVar aggregate classification (germline): Uncertain significance (1 of 4 stars; one submission).

Conditions:
Leber congenital amaurosis 3 (LCA3). Also called: SPATA7-Related Retinitis Pigmentosa. Identifiers: MedGen C1858677, MONDO:0011415, OMIM 604232.

Submission:

Labcorp Genetics (formerly Invitae), Labcorp
Classification: Uncertain significance for Leber congenital amaurosis 3. Last evaluated: 2021-08-05. Review status: criteria provided, single submitter. Criteria: Invitae Variant Classification Sherloc (09022015). Collection method: clinical testing. Allele origin: germline.
Comment: In summary, the available evidence is currently insufficient to determine the role of this variant in disease. Therefore, it has been classified as a Variant of Uncertain Significance. This variant disrupts the c.19G nucleotide in the SPATA7 gene. Other variant(s) that disrupt this nucleotide have been determined to be pathogenic (PMID: 28714225). This suggests that this nucleotide is clinically significant, and that variants that disrupt this position are likely to be disease-causing. Nucleotide substitutions within the consensus splice site are a relatively common cause of aberrant splicing (PMID: 17576681, 9536098). Algorithms developed to predict the effect of sequence changes on RNA splicing suggest that this variant may disrupt the consensus splice site, but this prediction has not been confirmed by published transcriptional studies. Algorithms developed to predict the effect of missense changes on protein structure and function are either unavailable or do not agree on the potential impact of this missense change (SIFT: "Tolerated"; PolyPhen-2: "Possibly Damaging"; Align-GVGD: "Class C0"). This variant has been observed in individual(s) with clinical features of retinal dystrophy (Invitae). This variant is not present in population databases (ExAC no frequency). This sequence change replaces valine with leucine at codon 7 of the SPATA7 protein (p.Val7Leu). The valine residue is moderately conserved and there is a small physicochemical difference between valine and leucine. This variant also falls at the last nucleotide of exon 1, which is part of the consensus splice site for this exon.

Literature cited by the submitters: PubMed 28714225; PubMed 17576681; PubMed 9536098.